The following is an entry in ClinVar:

ClinVar aggregate classification (germline): Uncertain significance (1 of 4 stars; one submission).

Conditions:
LAMA2-related muscular dystrophy (LAMA2-RD). Also called: Laminin alpha 2-related dystrophy. Identifiers: MedGen C5679788, MONDO:0100228.

Allele frequency attached by ClinVar (database versions not stated): gnomAD exomes below 0.00001; ExAC 0.00001.
gnomAD v4.1: 3 of 1,613,702 alleles (0.00019%); highest among the groups gnomAD compares: Non-Finnish European, 0.00025%; no homozygotes.

Submission:

Labcorp Genetics (formerly Invitae), Labcorp
Classification: Uncertain significance for LAMA2-related muscular dystrophy. Last evaluated: 2022-07-30. Review status: criteria provided, single submitter. Criteria: Invitae Variant Classification Sherloc (09022015). Collection method: clinical testing. Allele origin: germline.
Comment: This sequence change replaces lysine, which is basic and polar, with isoleucine, which is neutral and non-polar, at codon 501 of the LAMA2 protein (p.Lys501Ile). This variant is present in population databases (rs754986659, gnomAD 0.0009%). This variant has not been reported in the literature in individuals affected with LAMA2-related conditions. ClinVar contains an entry for this variant (Variation ID: 843528). Algorithms developed to predict the effect of missense changes on protein structure and function are either unavailable or do not agree on the potential impact of this missense change (SIFT: "Deleterious"; PolyPhen-2: "Probably Damaging"; Align-GVGD: "Class C0"). In summary, the available evidence is currently insufficient to determine the role of this variant in disease. Therefore, it has been classified as a Variant of Uncertain Significance.

NM_000426.4(LAMA2):c.1502A>T (p.Lys501Ile)

Gene: LAMA2 (laminin subunit alpha 2; plus strand). Cytogenetic location: 6q22.33.
Variant type: single nucleotide variant.
Coding change: c.1502A>T on transcript NM_000426.4 (MANE Select); coding-DNA position 1502, A replaced by T.
Protein change: p.Lys501Ile; replaces lysine 501 with isoleucine.
Molecular consequence: missense variant.
Genome position (GRCh38, 1-based): chr6:129,190,239, A>T. VCF-style: chr6-129190239-A-T. GRCh37 (hg19) VCF-style: chr6-129511384-A-T.
Other names: c.1502A>T, p.Lys501Ile (NM_001079823.2); short protein forms K501I.
Identifiers: ClinVar variation 843528 (VCV000843528.7), dbSNP rs754986659, ClinGen allele CA3992638.
Genomic context (GRCh38, chr6:129,190,239, plus strand): 5'-TTGCTGATACATCTCTTTATTTGCAGGAAAATGTTGAAGGAGGAGACTGTAGTCGTTGCA[A>T]ATCCGGCTTCTTCAATTTGCAAGAGGATAATTGGAAAGGCTGCGATGAGTGTTTCTGTTC-3'
Protein context (NP_000417.3, residues 491-511): NVEGGDCSRC[Lys501Ile]SGFFNLQEDN